The following is an entry in ClinVar:

ClinVar aggregate classification (germline): Uncertain significance. Review status: criteria provided, multiple submitters, no conflicts (2 of 4 stars). 4 submissions from 4 submitters: Uncertain significance (4). Last evaluated 2025-08-28.

Conditions:
Inborn genetic diseases. Identifiers: MedGen C0950123, MeSH D030342.
NLRP12-related disorder. Also called: NLRP12-related condition; NLRP12-related conditions.
Familial cold autoinflammatory syndrome 2 (FCAS2). Identifiers: Orphanet 247868, MedGen C2673198, MONDO:0012724, OMIM 611762.

gnomAD v4.1: 33 of 1,613,920 alleles (0.002%); highest among the groups gnomAD compares: East Asian, 0.06%; no homozygotes.

Submissions (4):

Ambry Genetics
Classification: Uncertain significance for Inborn genetic diseases. Last evaluated: 2025-08-28. Review status: criteria provided, single submitter. Criteria: Ambry Variant Classification Scheme 2023. Collection method: clinical testing. Allele origin: germline.

Labcorp Genetics (formerly Invitae), Labcorp
Classification: Uncertain significance for Familial cold autoinflammatory syndrome 2. Last evaluated: 2025-05-23. Review status: criteria provided, single submitter. Criteria: Invitae Variant Classification Sherloc (09022015). Collection method: clinical testing. Allele origin: germline.
Comment: This sequence change replaces asparagine, which is neutral and polar, with serine, which is neutral and polar, at codon 942 of the NLRP12 protein (p.Asn942Ser). This variant is present in population databases (no rsID available, gnomAD 0.009%). This variant has not been reported in the literature in individuals affected with NLRP12-related conditions. ClinVar contains an entry for this variant (Variation ID: 894126). An algorithm developed to predict the effect of missense changes on protein structure and function (PolyPhen-2) suggests that this variant is likely to be tolerated. In summary, the available evidence is currently insufficient to determine the role of this variant in disease. Therefore, it has been classified as a Variant of Uncertain Significance.

PreventionGenetics, part of Exact Sciences
Classification: Uncertain significance for NLRP12-related condition. Last evaluated: 2022-09-26. Review status: criteria provided, single submitter. Criteria: ACMG Guidelines, 2015. Collection method: clinical testing. Allele origin: germline.
Comment: The NLRP12 c.2825A>G variant is predicted to result in the amino acid substitution p.Asn942Ser. To our knowledge, this variant has not been reported in the literature. This variant is reported in 0.0087% of alleles in individuals of Latino descent in gnomAD. At this time, the clinical significance of this variant is uncertain due to the absence of conclusive functional and genetic evidence.

Illumina Laboratory Services, Illumina
Classification: Uncertain significance for Familial cold autoinflammatory syndrome 2. Last evaluated: 2018-01-13. Review status: criteria provided, single submitter. Criteria: ICSL Variant Classification Criteria 13 December 2019. Collection method: clinical testing. Allele origin: germline.

NM_144687.4(NLRP12):c.2825A>G (p.Asn942Ser)

Gene: NLRP12 (NLR family pyrin domain containing 12; minus strand). Cytogenetic location: 19q13.42.
Variant type: single nucleotide variant.
Coding change: c.2825A>G on transcript NM_144687.4 (MANE Select); coding-DNA position 2825, A replaced by G.
Protein change: p.Asn942Ser; replaces asparagine 942 with serine.
Molecular consequence: missense variant. On other transcripts: intron variant (1).
Genome position (GRCh38, 1-based): chr19:53,798,345, T>C on the plus strand (A>G on the coding strand, the complement: NLRP12 is on the minus strand). VCF-style: chr19-53798345-T-C. GRCh37 (hg19) VCF-style: chr19-54301599-T-C.
Other names: c.2825A>G (NM_144687.2); c.2828A>G, p.Asn943Ser (NM_001277126.2); c.2757-2316A>G (NM_001277129.1); short protein forms N943S, N942S.
Identifiers: ClinVar variation 894126 (VCV000894126.7), dbSNP rs1220727074, ClinGen allele CA407407917.
Genomic context (GRCh38, chr19:53,798,345, plus strand): 5'-GCCAGCAACCACAGGCCCCAGTCTCCCAGGTCGTTGAAACTCAAGTCCAGCTCCCGGAGG[T>C]TGTGGTTGGCCTGGAGCACCACAGAAAGACCCTCACAGGCGGCAGAGCCCAGCCGGCAGA-3'
Protein context (NP_653288.1, residues 932-952): GLSVVLQANH[Asn942Ser]LRELDLSFND